The following is an entry in ClinVar:

ClinVar aggregate classification (germline): Uncertain significance. Review status: criteria provided, multiple submitters, no conflicts (2 of 4 stars). 2 submissions from 2 submitters: Uncertain significance (2). Last evaluated 2025-07-29.

Conditions:
Cardiovascular phenotype. Identifiers: MedGen CN230736.

Allele frequency attached by ClinVar (database versions not stated): gnomAD exomes below 0.00001; TOPMed below 0.00001.
gnomAD v4.1: 1 of 1,611,434 alleles (0.000062%); highest among the groups gnomAD compares: Non-Finnish European, 0.000085%; no homozygotes.

Submissions (2):

Labcorp Genetics (formerly Invitae), Labcorp
Classification: Uncertain significance. Last evaluated: 2025-07-29. Review status: criteria provided, single submitter. Criteria: Invitae Variant Classification Sherloc (09022015). Collection method: clinical testing. Allele origin: germline.
Comment: This sequence change replaces serine, which is neutral and polar, with arginine, which is basic and polar, at codon 768 of the ALPK3 protein (p.Ser768Arg). This variant is present in population databases (no rsID available, gnomAD 0.0009%). This variant has not been reported in the literature in individuals affected with ALPK3-related conditions. ClinVar contains an entry for this variant (Variation ID: 1789333). Invitae Evidence Modeling of protein sequence and biophysical properties (such as structural, functional, and spatial information, amino acid conservation, physicochemical variation, residue mobility, and thermodynamic stability) indicates that this missense variant is not expected to disrupt ALPK3 protein function with a negative predictive value of 80%. In summary, the available evidence is currently insufficient to determine the role of this variant in disease. Therefore, it has been classified as a Variant of Uncertain Significance.

Ambry Genetics
Classification: Uncertain significance for Cardiovascular phenotype. Last evaluated: 2025-06-15. Review status: criteria provided, single submitter. Criteria: Ambry Variant Classification Scheme 2023. Collection method: clinical testing. Allele origin: germline.
Comment: The p.S768R variant (also known as c.2304C>G), located in coding exon 6 of the ALPK3 gene, results from a C to G substitution at nucleotide position 2304. The serine at codon 768 is replaced by arginine, an amino acid with dissimilar properties. This amino acid position is conserved. In addition, this alteration is predicted to be tolerated by in silico analysis. Since supporting evidence is limited at this time, the clinical significance of this alteration remains unclear.

NM_020778.5(ALPK3):c.1698C>G (p.Ser566Arg)

Gene: ALPK3 (alpha kinase 3; plus strand). Cytogenetic location: 15q25.3.
Variant type: single nucleotide variant.
Coding change: c.1698C>G on transcript NM_020778.5 (MANE Select); coding-DNA position 1698, C replaced by G.
Protein change: p.Ser566Arg; replaces serine 566 with arginine.
Molecular consequence: missense variant.
Genome position (GRCh38, 1-based): chr15:84,856,436, C>G. VCF-style: chr15-84856436-C-G. GRCh37 (hg19) VCF-style: chr15-85399667-C-G.
Other names: short protein forms S566R.
Identifiers: ClinVar variation 1789333 (VCV001789333.4), dbSNP rs1255850075, ClinGen allele CA393354275.